The following is an entry in ClinVar:

NM_144599.5(NIPA1):c.525C>T (p.Leu175=)

Gene: NIPA1 (NIPA magnesium transporter 1; plus strand). Cytogenetic location: 15q11.2.
Variant type: single nucleotide variant.
Coding change: c.525C>T on transcript NM_144599.5 (MANE Select); coding-DNA position 525, C replaced by T.
Protein change: p.Leu175=; no amino-acid change (leucine 175 retained).
Molecular consequence: synonymous variant.
Genome position (GRCh38, 1-based): chr15:22,823,774, C>T. VCF-style: chr15-22823774-C-T. GRCh37 (hg19) VCF-style: chr15-23049294-G-A.
Other names: c.300C>T, p.Leu100= (NM_001142275.1).
Identifiers: ClinVar variation 697004 (VCV000697004.13), dbSNP rs769522060, ClinGen allele CA7426051.

ClinVar aggregate classification (germline): Likely benign. Review status: criteria provided, multiple submitters, no conflicts (2 of 4 stars). 3 submissions from 3 submitters: Likely benign (2). 1 of the submissions does not count toward it. Last evaluated 2026-06-01.

Conditions:
NIPA1-related disorder. Also called: NIPA1-related condition.
Hereditary spastic paraplegia 6 (SPG6). Also called: SPASTIC PARAPLEGIA 6, AUTOSOMAL DOMINANT. Identifiers: Orphanet 100988, MedGen C1838192, MONDO:0010878, OMIM 600363.

Allele frequency attached by ClinVar (database versions not stated): gnomAD 0.00010 and 0.00012; TOPMed 0.00012.
gnomAD v4.1: 80 of 1,613,082 alleles (0.005%); highest among the groups gnomAD compares: Admixed American, 0.028%; no homozygotes.

Submissions (3):

CeGaT Center for Human Genetics Tuebingen
Classification: Likely benign. Last evaluated: 2026-06-01. Review status: criteria provided, single submitter. Criteria: CeGaT Center For Human Genetics Tuebingen Variant Classification Criteria Version 2. Collection method: clinical testing. Allele origin: germline. Affected: yes. Observed: 1 variant allele.
Comment: NIPA1: BP4, BP7

Labcorp Genetics (formerly Invitae), Labcorp
Classification: Likely benign for Hereditary spastic paraplegia 6. Last evaluated: 2024-06-19. Review status: criteria provided, single submitter. Criteria: Invitae Variant Classification Sherloc (09022015). Collection method: clinical testing. Allele origin: germline.

PreventionGenetics, part of Exact Sciences
Classification: Likely benign for NIPA1-related condition. Last evaluated: 2019-03-18. Review status: no assertion criteria provided. Collection method: clinical testing. Allele origin: germline. Not counted in ClinVar's aggregate classification.
Comment: This variant is classified as likely benign based on ACMG/AMP sequence variant interpretation guidelines (Richards et al. 2015 PMID: 25741868, with internal and published modifications).